The following is an entry in ClinVar:

ClinVar aggregate classification (germline): Uncertain significance (1 of 4 stars; one submission).

gnomAD v4.1: 2 of 1,614,162 alleles (0.00012%); highest among the groups gnomAD compares: Non-Finnish European, 0.00017%; no homozygotes.

Submission:

GeneDx
Classification: Uncertain significance. Last evaluated: 2023-07-26. Review status: criteria provided, single submitter. Criteria: GeneDx Variant Classification Process June 2021. Collection method: clinical testing. Allele origin: germline. Affected: yes.
Comment: Not observed at significant frequency in large population cohorts (gnomAD); In silico analysis supports that this missense variant has a deleterious effect on protein structure/function; Has not been previously published as pathogenic or benign to our knowledge

NM_001330078.2(NRXN1):c.4376A>T (p.Asp1459Val)

Gene: NRXN1 (neurexin 1; minus strand). Cytogenetic location: 2p16.3.
Variant type: single nucleotide variant.
Coding change: c.4376A>T on transcript NM_001330078.2 (MANE Select); coding-DNA position 4376, A replaced by T.
Protein change: p.Asp1459Val; replaces aspartic acid 1459 with valine.
Molecular consequence: missense variant.
Genome position (GRCh38, 1-based): chr2:49,922,092, T>A on the plus strand (A>T on the coding strand, the complement: NRXN1 is on the minus strand). VCF-style: chr2-49922092-T-A. GRCh37 (hg19) VCF-style: chr2-50149230-T-A.
Other names: c.4496A>T, p.Asp1499Val (NM_001135659.3); c.281A>T, p.Asp94Val (NM_001320156.4); c.272A>T, p.Asp91Val (NM_001320157.4); c.4352A>T, p.Asp1451Val (NM_001330077.2); c.4343A>T, p.Asp1448Val (NM_001330082.2); c.4211A>T, p.Asp1404Val (NM_001330083.2); c.4310A>T, p.Asp1437Val (NM_001330084.2); c.4349A>T, p.Asp1450Val (NM_001330085.2); and 12 more; short protein forms D1389V, D1392V, D1399V, D1404V, D1412V, D1429V, D1437V, D1448V.
Identifiers: ClinVar variation 3361282 (VCV003361282.1).
Genomic context (GRCh38, chr2:49,922,092, plus strand): 5'-TTGGACTGTGCTGAGTTACTGATGTAGTTTCGACTCTCGTCCACATGGTATGAGCCTTCA[T>A]CCCGGTTTCTGTACTTGTACATGGCATAGAGGAGGATAAGGATGCACAGGGCGGCAGCGG-3'
Protein context (NP_001317007.1, residues 1449-1469): LYAMYKYRNR[Asp1459Val]EGSYHVDESR